The following is an entry in ClinVar:

NM_000169.3(GLA):c.164del (p.Asp55fs)

Genes: GLA (galactosidase alpha; minus strand), RPL36A-HNRNPH2 (RPL36A-HNRNPH2 readthrough; plus strand). Cytogenetic location: Xq22.1.
Variant type: Deletion.
Coding change: c.164del on transcript NM_000169.3 (MANE Select); coding-DNA position 164, one base deleted (A; older notation c.164delA).
Protein change: p.Asp55fs; shifts the reading frame from aspartic acid 55.
Molecular consequence: frameshift variant. On other transcripts: non-coding transcript variant (3), intron variant (2).
Genome position (GRCh38, 1-based): chrX:101,407,740, T deleted on the plus strand (A on the coding strand, the reverse complement: GLA is on the minus strand). VCF-style (leftmost placement, unchanged base first): chrX-101407739-GT-G. GRCh37 (hg19) VCF-style: chrX-100662727-GT-G.
Other names: c.164del, p.Asp55fs (NM_001406749.1, NM_001406747.1, NM_001406748.1); c.301-4196del (NM_001199973.2); c.178-4196del (NM_001199974.2); short protein forms D55fs.
Identifiers: ClinVar variation 4729126 (VCV004729126.1).

ClinVar aggregate classification (germline): Pathogenic (1 of 4 stars; one submission).

Conditions:
Fabry disease. Also called: Fabry's disease; ALPHA-GALACTOSIDASE A DEFICIENCY; ANDERSON-FABRY DISEASE; CERAMIDE TRIHEXOSIDASE DEFICIENCY; GLA DEFICIENCY; HEREDITARY DYSTOPIC LIPIDOSIS. Identifiers: Orphanet 324, MedGen C0002986, MONDO:0010526, OMIM 301500, HP:0001071. Disease mechanism: Fabry disease is due to inactivating mutations in the X-linked GLA gene resulting in deficiency of the enzyme Alpha Galactosidase-A., loss of function.

Submission:

Labcorp Genetics (formerly Invitae), Labcorp
Classification: Pathogenic for Fabry disease. Last evaluated: 2025-10-13. Review status: criteria provided, single submitter. Criteria: Invitae Variant Classification Sherloc (09022015). Collection method: clinical testing. Allele origin: germline.
Comment: This sequence change creates a premature translational stop signal (p.Asp55Alafs*66) in the GLA gene. It is expected to result in an absent or disrupted protein product. Loss-of-function variants in GLA are known to be pathogenic (PMID: 10666480, 12175777). This variant is not present in population databases (gnomAD no frequency). This variant has not been reported in the literature in individuals affected with GLA-related conditions. For these reasons, this variant has been classified as Pathogenic.

Literature cited by the submitters: PubMed 10666480; PubMed 12175777.